The following is an entry in ClinVar:

NM_002691.4(POLD1):c.2224G>C (p.Glu742Gln)

Gene: POLD1 (DNA polymerase delta 1, catalytic subunit; plus strand). Cytogenetic location: 19q13.33.
Variant type: single nucleotide variant.
Coding change: c.2224G>C on transcript NM_002691.4 (MANE Select); coding-DNA position 2224, G replaced by C.
Protein change: p.Glu742Gln; replaces glutamic acid 742 with glutamine.
Molecular consequence: missense variant. On other transcripts: non-coding transcript variant (1).
Genome position (GRCh38, 1-based): chr19:50,413,495, G>C. VCF-style: chr19-50413495-G-C. GRCh37 (hg19) VCF-style: chr19-50916752-G-C.
Other names: c.2224G>C, p.Glu742Gln (NM_001256849.1); c.2302G>C, p.Glu768Gln (NM_001308632.1); short protein forms E742Q, E768Q.
Identifiers: ClinVar variation 469244 (VCV000469244.13), dbSNP rs752937018, ClinGen allele CA309604343.

ClinVar aggregate classification (germline): Conflicting classifications of pathogenicity. Review status: criteria provided, conflicting classifications (1 of 4 stars). 2 submissions from 2 submitters: Uncertain significance (1); Likely benign (1). Last evaluated 2025-08-09.

Conditions:
POLD1-related polyposis and colorectal cancer syndrome (CRCS10). Also called: Colorectal cancer 10; COLORECTAL CANCER, SUSCEPTIBILITY TO, ON CHROMOSOME 19q; Colorectal cancer, susceptibility to, 10. Identifiers: Orphanet 220460, MedGen C2675481, MONDO:0012953, OMIM 612591.
Hereditary cancer-predisposing syndrome. Also called: Neoplastic Syndromes, Hereditary; Hereditary neoplastic syndrome; Tumor predisposition; Hereditary Cancer Syndrome. Identifiers: Orphanet 140162, MedGen C0027672, MeSH D009386, MONDO:0015356.

Submissions (2):

Labcorp Genetics (formerly Invitae), Labcorp
Classification: Uncertain significance for POLD1-related polyposis and colorectal cancer syndrome. Last evaluated: 2025-08-09. Review status: criteria provided, single submitter. Criteria: Invitae Variant Classification Sherloc (09022015). Collection method: clinical testing. Allele origin: germline.
Comment: This sequence change replaces glutamic acid, which is acidic and polar, with glutamine, which is neutral and polar, at codon 742 of the POLD1 protein (p.Glu742Gln). This variant is not present in population databases (gnomAD no frequency). This missense change has been observed in individual(s) with thyroid/parathyroid cancer (PMID: 35534704). ClinVar contains an entry for this variant (Variation ID: 469244). Invitae Evidence Modeling of protein sequence and biophysical properties (such as structural, functional, and spatial information, amino acid conservation, physicochemical variation, residue mobility, and thermodynamic stability) indicates that this missense variant is not expected to disrupt POLD1 protein function with a negative predictive value of 80%. In summary, the available evidence is currently insufficient to determine the role of this variant in disease. Therefore, it has been classified as a Variant of Uncertain Significance.

Ambry Genetics
Classification: Likely benign for Hereditary cancer-predisposing syndrome. Last evaluated: 2025-03-27. Review status: criteria provided, single submitter. Criteria: Ambry Variant Classification Scheme 2023. Collection method: clinical testing. Allele origin: germline.

Literature cited by the submitters: PubMed 35534704 (cited by Labcorp Genetics (formerly Invitae), Labcorp).